The following is an entry in ClinVar:

NR_001566.3(TERC):n.31G>A

Genes: TERC (telomerase RNA component; minus strand), LOC110806306 (telomerase RNA component (TERC) promoter; plus strand). Cytogenetic location: 3q26.2.
Variant type: single nucleotide variant.
Genome position: GRCh38 VCF-style: chr3-169765030-C-T. GRCh37 (hg19) VCF-style: chr3-169482818-C-T.
Identifiers: ClinVar variation 1493388 (VCV001493388.7), dbSNP rs1446625124, ClinGen allele CA436716002.

ClinVar aggregate classification (germline): Uncertain significance. Review status: criteria provided, multiple submitters, no conflicts (2 of 4 stars). 2 submissions from 2 submitters: Uncertain significance (2). Last evaluated 2025-03-05.

Conditions:
Dyskeratosis congenita, autosomal dominant 1 (DKCA1). Also called: Dyskeratosis congenita Scoggins type. Identifiers: Orphanet 1775, MedGen C4551974, MONDO:0007485, OMIM 127550. Inheritance: Variable.
TERC-related disorder. Also called: TERC-related condition.

gnomAD v4.1: 1 of 765,178 alleles (0.00013%); highest among the groups gnomAD compares: South Asian, 0.0013%; no homozygotes.

Submissions (2):

PreventionGenetics, part of Exact Sciences
Classification: Uncertain significance for TERC-related condition. Last evaluated: 2025-03-05. Review status: criteria provided, single submitter. Criteria: ACMG Guidelines, 2015. Collection method: clinical testing. Allele origin: germline.
Comment: The TERC n.31G>A is a noncoding alteration. To our knowledge, this variant has not been reported in the literature or in a large population database (gnomAD), indicating this variant is rare. At this time, the clinical significance of this variant is uncertain due to the absence of conclusive functional and genetic evidence.

Labcorp Genetics (formerly Invitae), Labcorp
Classification: Uncertain significance for Dyskeratosis congenita, autosomal dominant 1. Last evaluated: 2023-10-24. Review status: criteria provided, single submitter. Criteria: Invitae Variant Classification Sherloc (09022015). Collection method: clinical testing. Allele origin: germline.
Comment: This variant occurs in the TERC gene, which encodes an RNA molecule that does not result in a protein product. This variant is not present in population databases (gnomAD no frequency). This variant has not been reported in the literature in individuals affected with TERC-related conditions. ClinVar contains an entry for this variant (Variation ID: 1493388). This variant is located at the 5’ end of the TERC RNA component (PMID: 15082312, 21844345). The functional significance of this region is not well understood. In summary, the available evidence is currently insufficient to determine the role of this variant in disease. Therefore, it has been classified as a Variant of Uncertain Significance.

Literature cited by the submitters: PubMed 15082312 (cited by Labcorp Genetics (formerly Invitae), Labcorp); PubMed 21844345 (cited by Labcorp Genetics (formerly Invitae), Labcorp).